The following is an entry in ClinVar:

NM_002834.5(PTPN11):c.214G>T (p.Ala72Ser)

Gene: PTPN11 (protein tyrosine phosphatase non-receptor type 11; plus strand). Cytogenetic location: 12q24.13.
Variant type: single nucleotide variant.
Coding change: c.214G>T on transcript NM_002834.5 (MANE Select); coding-DNA position 214, G replaced by T.
Protein change: p.Ala72Ser; replaces alanine 72 with serine.
Molecular consequence: missense variant.
Genome position (GRCh38, 1-based): chr12:112,450,394, G>T. VCF-style: chr12-112450394-G-T. GRCh37 (hg19) VCF-style: chr12-112888198-G-T.
Other names: p.A72S:GCC>TCC; c.214G>T, p.Ala72Ser (NM_001330437.2, NM_080601.3); c.211G>T, p.Ala71Ser (NM_001374625.1); c.214G>T (NM_002834.4); short protein forms A72S, A71S.
Identifiers: ClinVar variation 13324 (VCV000013324.73), dbSNP rs121918453, ClinGen allele CA256749.

ClinVar aggregate classification (germline): Pathogenic. Review status: criteria provided, multiple submitters, no conflicts (2 of 4 stars). 21 submissions from 21 submitters: Pathogenic (17). 4 of the submissions do not count toward it. Last evaluated 2025-12-11.

Conditions:
Cardiovascular phenotype. Identifiers: MedGen CN230736.
Noonan syndrome and Noonan-related syndrome. Identifiers: Orphanet 98733, MedGen C5681679, MONDO:0020297.
PTPN11-related disorder. Also called: PTPN11-Related Disorders.
Noonan syndrome 1 (NS1). Also called: PTPN11-Related Noonan Syndrome; FEMALE PSEUDO-TURNER SYNDROME; TURNER PHENOTYPE WITH NORMAL KARYOTYPE. Identifiers: Orphanet 648, MedGen C4551602, MONDO:0008104, OMIM 163950. Disease mechanism: gain of function.
LEOPARD syndrome 1 (LPRD1). Also called: LENTIGINOSIS, CARDIOMYOPATHIC; MULTIPLE LENTIGINES SYNDROME; PTPN11-Related LEOPARD Syndrome. Identifiers: Orphanet 500, MedGen C4551484, MONDO:0100082, OMIM 151100.
Metachondromatosis (METCDS). Identifiers: Orphanet 2499, MedGen C0410530, MONDO:0007979, OMIM 156250.
Juvenile myelomonocytic leukemia (JMML). Also called: LEUKEMIA, JUVENILE MYELOMONOCYTIC, SOMATIC. Identifiers: Orphanet 86834, MedGen C0349639, MONDO:0011908, OMIM 607785, HP:0012209.
RASopathy. Also called: rasopathies; Noonan spectrum disorder. Identifiers: Orphanet 536391, MedGen C5555857, MONDO:0021060.
Noonan syndrome (NS). Also called: Noonan's syndrome. Identifiers: Orphanet 648, MedGen C0028326, MeSH D009634, MONDO:0018997. Disease mechanism: gain of function.

Allele frequency attached by ClinVar (database versions not stated): gnomAD exomes below 0.00001.
gnomAD v4.1: 1 of 1,613,602 alleles (0.000062%); highest among the groups gnomAD compares: Non-Finnish European, 0.000085%; no homozygotes.

Submissions 1 to 5 of 21:

PreventionGenetics, part of Exact Sciences
Classification: Pathogenic for PTPN11-related condition. Last evaluated: 2025-12-11. Review status: criteria provided, single submitter. Criteria: ACMG Guidelines, 2015. Collection method: clinical testing. Allele origin: germline.
Comment: The PTPN11 c.214G>T variant is predicted to result in the amino acid substitution p.Ala72Ser. This variant has been reported to segregate with autosomal dominant Noonan syndrome (NS) in one family (Tartaglia et al. 2001. PubMed ID: 11704759). It has also been described as causative for NS in additional unrelated patients (see, for example, Hakami et al. 2016. PubMed ID: 26918529; Hung et al. 2007. PubMed ID: 17339163; Orlova et al. 2024. PubMed ID: 38540404). Functional studies demonstrate a gain of function mechanism with a 5-fold increased tyrosine phosphatase activity and prolonged ERK2 activation (Fragale et al. 2004. PubMed ID: 14974085). Statistical evidence in gnomAD suggests the PTPN11 gene is intolerant of missense variation. Alternate missense changes at the same amino acid position (p.Ala72Pro, p.Ala72Gly, p.Ala72Asp, p.Ala72Thr) have been reported in individuals with PTPN11-related disorders (Westphal et al. 2019. PubMed ID: 30868567; Lee et al. 2009. PubMed ID: 18759865; Table S1, Papadopoulos et al. 2022. PubMed ID: 35904599; Tartaglia et al. 2001. PubMed ID: 11704759). Additionally, alternate missense p.Ala72Val has been reported in hematologic malignancies (Bocchinfuso et al. 2007. PubMed ID: 17177198). This variant has not been reported in a large population database, indicating this variant is rare. This variant is interpreted as pathogenic.

Ambry Genetics
Classification: Pathogenic for Cardiovascular phenotype. Last evaluated: 2025-05-01. Review status: criteria provided, single submitter. Criteria: Ambry Variant Classification Scheme 2023. Collection method: clinical testing. Allele origin: germline.
Comment: The c.214G>T (p.A72S) alteration is located in exon 3 (coding exon 3) of the PTPN11 gene. This alteration results from a G to T substitution at nucleotide position 214, causing the alanine (A) at amino acid position 72 to be replaced by a serine (S). for autosomal dominant PTPN11-related RASopathy; however, it is unlikely to be causative of Metachondromatosis. This variant was not reported in population-based cohorts in the Genome Aggregation Database (gnomAD). This variant was identified in multiple individuals with features consistent with autosomal dominant PTPN11-related RASopathy (Tartaglia, 2001; Kosaki, 2002; Zenker, 2004; Limal, 2006; Athota, 2020; Baldo, 2022; Swarts, 2022; Draaisma, 2024; Zepeda-Olmos, 2024) and segregated with disease in at least one family (Tartaglia, 2001). Other variant(s) at the same codon, c.214G>C (p.A72P), c.214G>A (p.A72T), and c.215C>G (A72G), have been identified in individual(s) with features consistent with PTPN11-related RASopathy (Lee, 2009; Kratz, 2015; Yang, 2018; Stuurman, 2019; Bell, 2021; Ambry internal data). This amino acid position is highly conserved in available vertebrate species. In COS-7 cells expressing this mutation, protein tyrosine phosphatase activities were increased 5-6 times compared to wild type and also induce a prolonged activation of ERK2 (Fragale, 2004). This alteration is predicted to be deleterious by in silico analysis. Based on the available evidence, this alteration is classified as pathogenic.

Revvity Omics, Revvity
Classification: Pathogenic. Last evaluated: 2025-04-28. Review status: criteria provided, single submitter. Criteria: ACMG Guidelines, 2015. Collection method: clinical testing. Allele origin: germline.

3billion
Classification: Pathogenic for Noonan syndrome 1. Last evaluated: 2025-03-14. Review status: criteria provided, single submitter. Criteria: ACMG Guidelines, 2015. Collection method: clinical testing. Allele origin: germline. Affected: yes.
Comment: The variant is observed at an extremely low frequency in the gnomAD v4.1.0 dataset (total allele frequency: <0.001%).Predicted Consequence/Location: The variant is located in a mutational hot spot and/or well-established functional domain in which established pathogenic variants have been reported. Missense variant. Missense changes are a common disease-causing mechanism.In silico tool predictions suggest damaging effect of the variant on gene or gene product [REVEL: 0.81 (>=0.6, sensitivity 0.68 and specificity 0.92); 3Cnet: 0.99 (> 0.75, sensitivity 0.96 and precision 0.92)]. The same nucleotide change resulting in the same amino acid change has been previously reported as pathogenic/likely pathogenic with strong evidence (ClinVar ID: VCV000013324 / PMID: 11704759 / 3billion dataset). The variant has been reported to co-segregate with the disease in at least 5 similarly affected relatives/individuals in the same family or similarly affected unrelated families (PMID: 11704759). Different missense changes at the same codon (p.Ala72Asp, p.Ala72Gly, p.Ala72Pro, p.Ala72Thr, p.Ala72Val) have been reported as pathogenic/likely pathogenic with strong evidence (ClinVar ID: VCV000013325, VCV000040500, VCV000041443, VCV000177754 / PMID: 11704759, 18759865, 30868567, 30896080, 35904599 / 3billion dataset).Therefore, this variant is classified as Pathogenic according to the recommendation of ACMG/AMP guideline.

Labcorp Genetics (formerly Invitae), Labcorp
Classification: Pathogenic for RASopathy. Last evaluated: 2024-11-02. Review status: criteria provided, single submitter. Criteria: Invitae Variant Classification Sherloc (09022015). Collection method: clinical testing. Allele origin: germline.
Comment: This sequence change replaces alanine, which is neutral and non-polar, with serine, which is neutral and polar, at codon 72 of the PTPN11 protein (p.Ala72Ser). This variant is not present in population databases (gnomAD no frequency). This missense change has been observed in individuals with Noonan syndrome (PMID: 11704759, 12161469, 17339163, 18678287, 26918529). It has also been observed to segregate with disease in related individuals. ClinVar contains an entry for this variant (Variation ID: 13324). Invitae Evidence Modeling incorporating data from in vitro experimental studies (internal data) indicates that this missense variant is expected to disrupt PTPN11 function with a positive predictive value of 95%. Experimental studies have shown that this missense change affects PTPN11 function (PMID: 14974085, 16399795). For these reasons, this variant has been classified as Pathogenic.